The following is an entry in ClinVar:

ClinVar aggregate classification (germline): Pathogenic. Review status: criteria provided, multiple submitters, no conflicts (2 of 4 stars). 2 submissions from 2 submitters: Pathogenic (2). Last evaluated 2025-10-09.

Conditions:
Polycystic kidney disease, adult type (PKD1). Also called: POLYCYSTIC KIDNEY DISEASE, ADULT, TYPE I; Polycystic Kidney, Autosomal Dominant; POLYCYSTIC KIDNEY DISEASE 1 WITH OR WITHOUT POLYCYSTIC LIVER DISEASE; Polycystic Kidney Disease 1, Autosomal Dominant; Polycystic kidney disease 1; Polycystic kidney disease 1, severe. Identifiers: MedGen C3149841, MONDO:0008263, OMIM 173900.

Submissions (2):

Women's Health and Genetics/Laboratory Corporation of America, LabCorp
Classification: Pathogenic for Polycystic kidney disease, adult type. Last evaluated: 2025-10-09. Review status: criteria provided, single submitter. Criteria: LabCorp Variant Classification Summary - May 2015. Collection method: clinical testing. Allele origin: germline.
Comment: Variant summary: PKD1 c.11384G>A (p.Trp3795X) results in a premature termination codon, predicted to cause absence of the protein due to nonsense mediated decay, which is a commonly known mechanism for disease. The variant was absent in 248844 control chromosomes (gnomAD). To our knowledge, no occurrence of c.11384G>A in individuals affected with PKD1-related conditions and no experimental evidence demonstrating its impact on protein function have been reported. ClinVar contains an entry for this variant (Variation ID: 1683829). Based on the evidence outlined above, the variant was classified as pathogenic.

GeneDx
Classification: Pathogenic. Last evaluated: 2022-04-26. Review status: criteria provided, single submitter. Criteria: GeneDx Variant Classification Process June 2021. Collection method: clinical testing. Allele origin: germline. Affected: yes.
Comment: Nonsense variant predicted to result in protein truncation or nonsense mediated decay in a gene for which loss-of-function is a known mechanism of disease; Not observed at significant frequency in large population cohorts (gnomAD); Has not been previously published as pathogenic or benign to our knowledge

NM_001009944.3(PKD1):c.11384G>A (p.Trp3795Ter)

Genes: PKD1 (polycystin 1, transient receptor potential channel interacting; minus strand), PKD1-AS1 (PKD1 antisense RNA 1; plus strand). Cytogenetic location: 16p13.3.
Variant type: single nucleotide variant.
Coding change: c.11384G>A on transcript NM_001009944.3 (MANE Select); coding-DNA position 11384, G replaced by A.
Protein change: p.Trp3795Ter; replaces tryptophan 3795 with a stop codon.
Molecular consequence: nonsense.
Genome position (GRCh38, 1-based): chr16:2,092,074, C>T on the plus strand (G>A on the coding strand, the complement: PKD1 is on the minus strand). VCF-style: chr16-2092074-C-T. GRCh37 (hg19) VCF-style: chr16-2142075-C-T.
Other names: c.11381G>A, p.Trp3794Ter (NM_000296.4); short protein forms W3794*, W3795*.
Identifiers: ClinVar variation 1683829 (VCV001683829.3), dbSNP rs2151699315, ClinGen allele CA394333934.